The following is an entry in ClinVar:

NM_001371986.1(UNC80):c.5000G>C (p.Ser1667Thr)

Gene: UNC80 (unc-80 subunit of NALCN channel complex; plus strand). Cytogenetic location: 2q34.
Variant type: single nucleotide variant.
Coding change: c.5000G>C on transcript NM_001371986.1 (MANE Select); coding-DNA position 5000, G replaced by C.
Protein change: p.Ser1667Thr; replaces serine 1667 with threonine.
Molecular consequence: missense variant.
Genome position (GRCh38, 1-based): chr2:209,913,911, G>C. VCF-style: chr2-209913911-G-C. GRCh37 (hg19) VCF-style: chr2-210778635-G-C.
Other names: c.4802G>C, p.Ser1601Thr (NM_032504.2); c.4787G>C, p.Ser1596Thr (NM_182587.4); short protein forms S1601T, S1667T, S1596T.
Identifiers: ClinVar variation 1373355 (VCV001373355.6), dbSNP rs1037527931, ClinGen allele CA65039791.

ClinVar aggregate classification (germline): Uncertain significance (1 of 4 stars; one submission).

Allele frequency attached by ClinVar (database versions not stated): gnomAD 0.00001; gnomAD exomes 0.00001; TOPMed 0.00002.
gnomAD v4.1: 4 of 1,549,984 alleles (0.00026%); highest among the groups gnomAD compares: Admixed American, 0.0039%; no homozygotes.

Submission:

Labcorp Genetics (formerly Invitae), Labcorp
Classification: Uncertain significance. Last evaluated: 2023-12-11. Review status: criteria provided, single submitter. Criteria: Invitae Variant Classification Sherloc (09022015). Collection method: clinical testing. Allele origin: germline.
Comment: This sequence change replaces serine, which is neutral and polar, with threonine, which is neutral and polar, at codon 1601 of the UNC80 protein (p.Ser1601Thr). This variant is present in population databases (no rsID available, gnomAD 0.004%). This variant has not been reported in the literature in individuals affected with UNC80-related conditions. ClinVar contains an entry for this variant (Variation ID: 1373355). Advanced modeling of protein sequence and biophysical properties (such as structural, functional, and spatial information, amino acid conservation, physicochemical variation, residue mobility, and thermodynamic stability) performed at Invitae indicates that this missense variant is not expected to disrupt UNC80 protein function with a negative predictive value of 80%. In summary, the available evidence is currently insufficient to determine the role of this variant in disease. Therefore, it has been classified as a Variant of Uncertain Significance.